The following is an entry in ClinVar:

NM_001013838.3(CARMIL2):c.242C>T (p.Pro81Leu)

Gene: CARMIL2 (capping protein regulator and myosin 1 linker 2; plus strand). Cytogenetic location: 16q22.1.
Variant type: single nucleotide variant.
Coding change: c.242C>T on transcript NM_001013838.3 (MANE Select); coding-DNA position 242, C replaced by T.
Protein change: p.Pro81Leu; replaces proline 81 with leucine.
Molecular consequence: missense variant.
Genome position (GRCh38, 1-based): chr16:67,646,073, C>T. VCF-style: chr16-67646073-C-T. GRCh37 (hg19) VCF-style: chr16-67679976-C-T.
Other names: c.242C>T, p.Pro81Leu (NM_001317026.3); short protein forms P81L.
Identifiers: ClinVar variation 1801012 (VCV001801012.5), dbSNP rs777407994, ClinGen allele CA396330765.

ClinVar aggregate classification (germline): Uncertain significance. Review status: criteria provided, multiple submitters, no conflicts (2 of 4 stars). 2 submissions from 2 submitters: Uncertain significance (2). Last evaluated 2022-05-25.

Submissions (2):

GeneDx
Classification: Uncertain significance. Last evaluated: 2022-05-25. Review status: criteria provided, single submitter. Criteria: GeneDx Variant Classification Process June 2021. Collection method: clinical testing. Allele origin: germline. Affected: yes.
Comment: Not observed at significant frequency in large population cohorts (gnomAD); In silico analysis supports that this missense variant has a deleterious effect on protein structure/function; Has not been previously published as pathogenic or benign to our knowledge

Labcorp Genetics (formerly Invitae), Labcorp
Classification: Uncertain significance. Last evaluated: 2022-05-06. Review status: criteria provided, single submitter. Criteria: Invitae Variant Classification Sherloc (09022015). Collection method: clinical testing. Allele origin: germline.
Comment: This variant has not been reported in the literature in individuals affected with CARMIL2-related conditions. In summary, the available evidence is currently insufficient to determine the role of this variant in disease. Therefore, it has been classified as a Variant of Uncertain Significance. Algorithms developed to predict the effect of missense changes on protein structure and function (SIFT, PolyPhen-2, Align-GVGD) all suggest that this variant is likely to be tolerated. This variant is not present in population databases (gnomAD no frequency). This sequence change replaces proline, which is neutral and non-polar, with leucine, which is neutral and non-polar, at codon 81 of the CARMIL2 protein (p.Pro81Leu).